The following is an entry in ClinVar:

NM_001457.4(FLNB):c.4978G>A (p.Ala1660Thr)

Gene: FLNB (filamin B; plus strand). Cytogenetic location: 3p14.3.
Variant type: single nucleotide variant.
Coding change: c.4978G>A on transcript NM_001457.4 (MANE Select); coding-DNA position 4978, G replaced by A.
Protein change: p.Ala1660Thr; replaces alanine 1660 with threonine.
Molecular consequence: missense variant.
Genome position (GRCh38, 1-based): chr3:58,138,398, G>A. VCF-style: chr3-58138398-G-A. GRCh37 (hg19) VCF-style: chr3-58124125-G-A.
Other names: c.5071G>A, p.Ala1691Thr (NM_001164317.2); c.4978G>A, p.Ala1660Thr (NM_001164318.2, NM_001164319.2); short protein forms A1691T, A1660T.
Identifiers: ClinVar variation 900721 (VCV000900721.15), dbSNP rs142114129, ClinGen allele CA2468920.

ClinVar aggregate classification (germline): Conflicting classifications of pathogenicity. Review status: criteria provided, conflicting classifications (1 of 4 stars). 4 submissions from 4 submitters: Uncertain significance (3); Likely benign (1). Last evaluated 2025-12-16.

Conditions:
Connective tissue disorder. Also called: Connective tissue disease. Identifiers: MedGen C0009782, MONDO:0003900.
FLNB-Related Spectrum Disorders.

Allele frequency attached by ClinVar (database versions not stated): gnomAD exomes 0.00004 and 0.00011; ExAC 0.00010; 1000 Genomes Project 0.00020; 1000 Genomes Project 30x 0.00031; gnomAD 0.00044 and 0.00047; ESP Exome Variant Server 0.00046; TOPMed 0.00046.

Submissions (4):

Labcorp Genetics (formerly Invitae), Labcorp
Classification: Likely benign. Last evaluated: 2025-12-16. Review status: criteria provided, single submitter. Criteria: Invitae Variant Classification Sherloc (09022015). Collection method: clinical testing. Allele origin: germline.

GeneDx
Classification: Uncertain significance. Last evaluated: 2024-08-29. Review status: criteria provided, single submitter. Criteria: GeneDx Variant Classification Process June 2021. Collection method: clinical testing. Allele origin: germline. Affected: yes.
Comment: In silico analysis indicates that this missense variant does not alter protein structure/function; Has not been previously published as pathogenic or benign to our knowledge

Genome Diagnostics Laboratory, The Hospital for Sick Children
Classification: Uncertain significance for Connective tissue disorder. Last evaluated: 2020-01-01. Review status: criteria provided, single submitter. Criteria: ACMG Guidelines, 2015. Collection method: clinical testing. Allele origin: germline.

Illumina Laboratory Services, Illumina
Classification: Uncertain significance for FLNB-Related Spectrum Disorders. Last evaluated: 2017-04-27. Review status: criteria provided, single submitter. Criteria: ICSL Variant Classification Criteria 13 December 2019. Collection method: clinical testing. Allele origin: germline.